The following is an entry in ClinVar:

NM_021008.4(DEAF1):c.1145A>G (p.Gln382Arg)

Gene: DEAF1 (DEAF1 transcription factor; minus strand). Cytogenetic location: 11p15.5.
Variant type: single nucleotide variant.
Coding change: c.1145A>G on transcript NM_021008.4 (MANE Select); coding-DNA position 1145, A replaced by G.
Protein change: p.Gln382Arg; replaces glutamine 382 with arginine.
Molecular consequence: missense variant.
Genome position (GRCh38, 1-based): chr11:678,804, T>C on the plus strand (A>G on the coding strand, the complement: DEAF1 is on the minus strand). VCF-style: chr11-678804-T-C. GRCh37 (hg19) VCF-style: chr11-678804-T-C.
Other names: c.878A>G, p.Gln293Arg (NM_001293634.2); c.419A>G, p.Gln140Arg (NM_001367390.1); short protein forms Q140R, Q293R, Q382R.
Identifiers: ClinVar variation 3029654 (VCV003029654.3), dbSNP rs1285032190, ClinGen allele CA378925673.
Genomic context (GRCh38, chr11:678,804, plus strand): 5'-TGGCAGCTGTCCTGATAGCCGGGGTAGTGAGGCTCAGGGTGGCTGGCCCTGCATGGGGGC[T>C]GCACGCTGGCCTCTTGGACTGTTGGGGAGAAAAAGGACAGGGAGGCTCGGGATGGTTGTC-3'
Protein context (NP_066288.2, residues 372-392): AGATVQEASV[Gln382Arg]PPCRASHPEP

ClinVar aggregate classification (germline): Uncertain significance. Review status: criteria provided, single submitter (1 of 4 stars). 2 submissions from 2 submitters: Uncertain significance (1). 1 of the submissions does not count toward it. Last evaluated 2025-01-07.

Conditions:
Inborn genetic diseases. Identifiers: MedGen C0950123, MeSH D030342.
DEAF1-related disorder.

Allele frequency attached by ClinVar (database versions not stated): gnomAD exomes below 0.00001; TOPMed below 0.00001; gnomAD 0.00001.
gnomAD v4.1: 3 of 1,613,996 alleles (0.00019%); highest among the groups gnomAD compares: Non-Finnish European, 0.00025%; no homozygotes.

Submissions (2):

Ambry Genetics
Classification: Uncertain significance for Inborn genetic diseases. Last evaluated: 2025-01-07. Review status: criteria provided, single submitter. Criteria: Ambry Variant Classification Scheme 2023. Collection method: clinical testing. Allele origin: germline.

PreventionGenetics, part of Exact Sciences
Classification: Uncertain significance for DEAF1-related condition. Last evaluated: 2024-02-02. Review status: no assertion criteria provided. Collection method: clinical testing. Allele origin: germline. Not counted in ClinVar's aggregate classification.
Comment: The DEAF1 c.1145A>G variant is predicted to result in the amino acid substitution p.Gln382Arg. To our knowledge, this variant has not been reported in the literature or in a large population database, indicating this variant is rare. At this time, the clinical significance of this variant is uncertain due to the absence of conclusive functional and genetic evidence.